The following is an entry in ClinVar:

NM_000334.4(SCN4A):c.3371C>A (p.Pro1124His)

Genes: GH-LCR (growth hormone locus control region; plus strand), SCN4A (sodium voltage-gated channel alpha subunit 4; minus strand). Cytogenetic location: 17q23.3.
Variant type: single nucleotide variant.
Coding change: c.3371C>A on transcript NM_000334.4 (MANE Select); coding-DNA position 3371, C replaced by A.
Protein change: p.Pro1124His; replaces proline 1124 with histidine.
Molecular consequence: missense variant.
Genome position (GRCh38, 1-based): chr17:63,947,115, G>T on the plus strand (C>A on the coding strand, the complement: SCN4A is on the minus strand). VCF-style: chr17-63947115-G-T. GRCh37 (hg19) VCF-style: chr17-62024475-G-T.
Other names: short protein forms P1124H.
Identifiers: ClinVar variation 1509093 (VCV001509093.33), dbSNP rs924313348, ClinGen allele CA292962523.

ClinVar aggregate classification (germline): Uncertain significance. Review status: criteria provided, multiple submitters, no conflicts (2 of 4 stars). 3 submissions from 3 submitters: Uncertain significance (3). Last evaluated 2024-11-15.

Conditions:
Paramyotonia congenita of Von Eulenburg. Also called: PARALYSIS PERIODICA PARAMYOTONICA; Paramyotonia Congenita; Eulenburg disease; Myotonia congenita intermittens; Von Eulenburg paramyotonia congenita. Identifiers: Orphanet 684, MedGen C0221055, MONDO:0008195, OMIM 168300. Disease mechanism: loss of function.
Hypokalemic periodic paralysis, type 1. Also called: HypoPP; Hypokalemic Periodic Paralysis Type 1 (AD). Identifiers: Orphanet 681, MedGen C3714580, MONDO:0042979, OMIM 170400.
Hypokalemic periodic paralysis, type 2 (HOKPP2). Identifiers: Orphanet 681, MedGen C2750061, MONDO:0013234, OMIM 613345.
Potassium-aggravated myotonia. Also called: MYOTONIA CONGENITA, ACETAZOLAMIDE-RESPONSIVE; MYOTONIA CONGENITA, ATYPICAL; SODIUM CHANNEL MUSCLE DISEASE; Myotonia congenita, atypical, acetazolamide-responsive. Identifiers: Orphanet 612, Orphanet 99734, Orphanet 99735, Orphanet 99736, MedGen C2931826, MONDO:0018959, OMIM 608390.
Congenital myasthenic syndrome 16. Identifiers: Orphanet 590, MedGen C3280112, MONDO:0013620, OMIM 614198.
Hyperkalemic periodic paralysis. Also called: Familial hyperkalemic periodic paralysis; Gamstorp disease. Identifiers: Orphanet 682, MedGen C0238357, MONDO:0008224, OMIM 170500, HP:0007215.

Allele frequency attached by ClinVar (database versions not stated): gnomAD exomes below 0.00001 and 0.00002; gnomAD 0.00003; TOPMed 0.00002.
gnomAD v4.1: 12 of 1,613,458 alleles (0.00074%); highest among the groups gnomAD compares: Admixed American, 0.0083%; no homozygotes.

Submissions (3):

Labcorp Genetics (formerly Invitae), Labcorp
Classification: Uncertain significance for Hyperkalemic periodic paralysis. Last evaluated: 2024-11-15. Review status: criteria provided, single submitter. Criteria: Invitae Variant Classification Sherloc (09022015). Collection method: clinical testing. Allele origin: germline.
Comment: This sequence change replaces proline, which is neutral and non-polar, with histidine, which is basic and polar, at codon 1124 of the SCN4A protein (p.Pro1124His). This variant is present in population databases (no rsID available, gnomAD 0.006%). This variant has not been reported in the literature in individuals affected with SCN4A-related conditions. ClinVar contains an entry for this variant (Variation ID: 1509093). Invitae Evidence Modeling of protein sequence and biophysical properties (such as structural, functional, and spatial information, amino acid conservation, physicochemical variation, residue mobility, and thermodynamic stability) indicates that this missense variant is expected to disrupt SCN4A protein function with a positive predictive value of 80%. In summary, the available evidence is currently insufficient to determine the role of this variant in disease. Therefore, it has been classified as a Variant of Uncertain Significance.

CeGaT Center for Human Genetics Tuebingen
Classification: Uncertain significance. Last evaluated: 2023-05-01. Review status: criteria provided, single submitter. Criteria: CeGaT Center For Human Genetics Tuebingen Variant Classification Criteria Version 2. Collection method: clinical testing. Allele origin: germline. Affected: yes. Observed: 1 variant allele.
Comment: SCN4A: PM1

Fulgent Genetics
Classification: Uncertain significance for Paramyotonia congenita of Von Eulenburg; Hypokalemic periodic paralysis, type 1; Hyperkalemic periodic paralysis; Potassium-aggravated myotonia; Hypokalemic periodic paralysis, type 2; Congenital myasthenic syndrome 16. Last evaluated: 2021-07-30. Review status: criteria provided, single submitter. Criteria: ACMG Guidelines, 2015. Collection method: clinical testing. Allele origin: unknown.